The following is an entry in ClinVar:

NM_000781.3(CYP11A1):c.235del (p.Val79fs)

Gene: CYP11A1 (cytochrome P450 family 11 subfamily A member 1; minus strand). Cytogenetic location: 15q24.1.
Variant type: Deletion.
Coding change: c.235del on transcript NM_000781.3 (MANE Select); coding-DNA position 235, one base deleted (G; older notation c.235delG).
Protein change: p.Val79fs; shifts the reading frame from valine 79.
Molecular consequence: frameshift variant.
Genome position (GRCh38, 1-based): chr15:74,367,351, C deleted on the plus strand (G on the coding strand, the reverse complement: CYP11A1 is on the minus strand). VCF-style (leftmost placement, unchanged base first): chr15-74367350-AC-A. GRCh37 (hg19) VCF-style: chr15-74659691-AC-A.
Other names: short protein forms V79fs.
Identifiers: ClinVar variation 5014660 (VCV005014660.1).

ClinVar aggregate classification (germline): Pathogenic (1 of 4 stars; one submission).

Conditions:
Congenital adrenal insufficiency with 46, XY sex reversal OR 46,XY disorder of sex development-adrenal insufficiency due to CYP11A1 deficiency. Also called: P450scc DEFICIENCY; Congenital adrenal insuffiency with 46, XY sex reversal OR 46,XY disorder of sex development-adrenal insufficiency due to CYP11A1 deficiency. Identifiers: Orphanet 168558, MedGen C3151055, MONDO:0013400, OMIM 613743.

Submission:

Myriad Genetics, Inc.
Classification: Pathogenic for Congenital adrenal insufficiency with 46, XY sex reversal OR 46,XY disorder of sex development-adrenal insufficiency due to CYP11A1 deficiency. Last evaluated: 2025-06-30. Review status: criteria provided, single submitter. Criteria: Myriad Autosomal Dominant, Autosomal Recessive and X-Linked Classification Criteria (2023). Collection method: clinical testing. Allele origin: unknown.
Comment: NM_000781.2(CYP11A1):c.235delG(V79Sfs*59) is expected to be pathogenic in the context of congenital adrenal hyperplasia, CYP11A1-related. This variant is predicted to lead to an abnormal or absent protein product due to the creation of a premature termination codon in CYP11A1, a gene where loss-of-function variants are known to be pathogenic. Please note: this variant was assessed in the context of healthy population screening.